The following is an entry in ClinVar:

ClinVar aggregate classification (germline): Uncertain significance. Review status: criteria provided, multiple submitters, no conflicts (2 of 4 stars). 4 submissions from 4 submitters: Uncertain significance (3). 1 of the submissions does not count toward it. Last evaluated 2024-01-24.

Conditions:
Inborn genetic diseases. Identifiers: MedGen C0950123, MeSH D030342.
Combined malonic and methylmalonic acidemia. Identifiers: Orphanet 289504, MedGen C3280314, MONDO:0013661, OMIM 614265.
Methylmalonic acidemia (MMA). Also called: Isolated Methylmalonic Acidemia. Identifiers: MedGen C0268583, MeSH C537358, MONDO:0002012, HP:0002912.

Allele frequency attached by ClinVar (database versions not stated): gnomAD exomes 0.00002 and 0.00003; ExAC 0.00003; ESP Exome Variant Server 0.00008; TOPMed 0.00008; gnomAD 0.00010.
gnomAD v4.1: 45 of 1,606,450 alleles (0.0028%); highest among the groups gnomAD compares: African/African-American, 0.035%; no homozygotes.

Submissions (4):

Ambry Genetics
Classification: Uncertain significance for Inborn genetic diseases. Last evaluated: 2024-01-24. Review status: criteria provided, single submitter. Criteria: Ambry Variant Classification Scheme 2023. Collection method: clinical testing. Allele origin: germline.

Labcorp Genetics (formerly Invitae), Labcorp
Classification: Uncertain significance for Combined malonic and methylmalonic acidemia. Last evaluated: 2022-04-01. Review status: criteria provided, single submitter. Criteria: Invitae Variant Classification Sherloc (09022015). Collection method: clinical testing. Allele origin: germline.
Comment: This sequence change replaces threonine, which is neutral and polar, with asparagine, which is neutral and polar, at codon 176 of the ACSF3 protein (p.Thr176Asn). This variant is present in population databases (rs368696141, gnomAD 0.03%). This variant has not been reported in the literature in individuals affected with ACSF3-related conditions. ClinVar contains an entry for this variant (Variation ID: 991072). Algorithms developed to predict the effect of missense changes on protein structure and function output the following: SIFT: "Tolerated"; PolyPhen-2: "Benign"; Align-GVGD: "Class C0". The asparagine amino acid residue is found in multiple mammalian species, which suggests that this missense change does not adversely affect protein function. In summary, the available evidence is currently insufficient to determine the role of this variant in disease. Therefore, it has been classified as a Variant of Uncertain Significance.

Revvity Omics, Revvity
Classification: Uncertain significance for Combined malonic and methylmalonic acidemia. Last evaluated: 2021-06-02. Review status: criteria provided, single submitter. Criteria: ACMG Guidelines, 2015. Collection method: clinical testing. Allele origin: germline.

Natera, Inc.
Classification: Uncertain significance for Methylmalonic acidemia. Last evaluated: 2020-05-01. Review status: no assertion criteria provided. Collection method: clinical testing. Allele origin: germline. Not counted in ClinVar's aggregate classification.

NM_001243279.3(ACSF3):c.527C>A (p.Thr176Asn)

Gene: ACSF3 (acyl-CoA synthetase family member 3; plus strand). Cytogenetic location: 16q24.3.
Variant type: single nucleotide variant.
Coding change: c.527C>A on transcript NM_001243279.3 (MANE Select); coding-DNA position 527, C replaced by A.
Protein change: p.Thr176Asn; replaces threonine 176 with asparagine.
Molecular consequence: missense variant. On other transcripts: non-coding transcript variant (3), intron variant (1).
Genome position (GRCh38, 1-based): chr16:89,101,208, C>A. VCF-style: chr16-89101208-C-A. GRCh37 (hg19) VCF-style: chr16-89167616-C-A.
Other names: c.527C>A, p.Thr176Asn (NM_001127214.4, NM_174917.5); c.-129-1396C>A (NM_001284316.2); c.527C>A (NM_174917.3); short protein forms T176N.
Identifiers: ClinVar variation 991072 (VCV000991072.7), dbSNP rs368696141, ClinGen allele CA8237685.